The following is an entry in ClinVar:

NM_172245.4(CSF2RA):c.393G>A (p.Ala131=)

Gene: CSF2RA (colony stimulating factor 2 receptor subunit alpha; plus strand). Cytogenetic location: Xp22.33.
Variant type: single nucleotide variant.
Coding change: c.393G>A on transcript NM_172245.4 (MANE Select); coding-DNA position 393, G replaced by A.
Protein change: p.Ala131=; no amino-acid change (alanine 131 retained).
Molecular consequence: synonymous variant. On other transcripts: 5 prime UTR variant (1), non-coding transcript variant (1).
Genome position (GRCh38, 1-based): chrX:1,288,808, G>A. VCF-style: chrX-1288808-G-A. GRCh37 (hg19) VCF-style: chrX-1407701-G-A.
Other names: c.393G>A, p.Ala131= (NM_001161529.2, NM_001161530.2, NM_001161531.2 and 20 more transcripts); c.-7G>A (NM_001161532.2); c.393G>A (NM_006140.4).
Identifiers: ClinVar variation 1170895 (VCV001170895.12), dbSNP rs143104828, ClinGen allele CA10330792.
Genomic context (GRCh38, chrX:1,288,808, plus strand): 5'-CCTCTTCCCAGGAAGGGAGGGTACCGCTGCTCAGAATTTCTCCTGTTTCATCTACAATGC[G>A]GATTTAATGAACTGTACCTGGGCGAGGGGTCCGACGGCCCCCCGTGACGTCCAGTATTTT-3'
Protein context (NP_758448.1, residues 121-141): AQNFSCFIYN[Ala131=]DLMNCTWARG

ClinVar aggregate classification (germline): Benign. Review status: criteria provided, single submitter (1 of 4 stars). 2 submissions from 2 submitters: Benign (1). 1 of the submissions does not count toward it. Last evaluated 2026-01-23.

Conditions:
Surfactant metabolism dysfunction, pulmonary, 4 (SMDP4). Also called: PAP DUE TO CSF2RA DEFICIENCY; PULMONARY ALVEOLAR PROTEINOSIS, CONGENITAL, 4; CSF2RA DEFICIENCY. Identifiers: Orphanet 264675, MedGen C2677877, MONDO:0010424, OMIM 300770.
CSF2RA-related disorder. Also called: CSF2RA-related condition.

Allele frequency attached by ClinVar (database versions not stated): gnomAD exomes 0.00008 and 0.00027; ExAC 0.00035; gnomAD 0.00069 and 0.00071; TOPMed 0.00085; ESP Exome Variant Server 0.00100; 1000 Genomes Project 0.00132; 1000 Genomes Project 30x 0.00146.

Submissions (5):

Labcorp Genetics (formerly Invitae), Labcorp
Classification: Benign for Surfactant metabolism dysfunction, pulmonary, 4. Last evaluated: 2026-01-23. Review status: criteria provided, single submitter. Criteria: Invitae Variant Classification Sherloc (09022015). Collection method: clinical testing. Allele origin: germline.

PreventionGenetics, part of Exact Sciences
Classification: Likely benign for CSF2RA-related condition. Last evaluated: 2023-08-23. Review status: no assertion criteria provided. Collection method: clinical testing. Allele origin: germline. Not counted in ClinVar's aggregate classification.
Comment: This variant is classified as likely benign based on ACMG/AMP sequence variant interpretation guidelines (Richards et al. 2015 PMID: 25741868, with internal and published modifications).

Dr. Peter K. Rogan Lab, Western University
No classification provided (evidence only). Condition: Thyroid cancer, nonmedullary, 1. Review status: no classification provided. Collection method: in vitro. Allele origin: not applicable. Functional consequence: retained intron. Not counted in ClinVar's aggregate classification.

Dr. Peter K. Rogan Lab, Western University
No classification provided (evidence only). Condition: Thyroid cancer, nonmedullary, 1. Review status: no classification provided. Collection method: in vitro. Allele origin: not applicable. Functional consequence: retained intron. Not counted in ClinVar's aggregate classification.

Dr. Peter K. Rogan Lab, Western University
No classification provided (evidence only). Condition: Thyroid cancer, nonmedullary, 1. Review status: no classification provided. Collection method: in vitro. Allele origin: not applicable. Functional consequence: retained intron. Not counted in ClinVar's aggregate classification.